The following is an entry in ClinVar:

ClinVar aggregate classification (germline): Likely pathogenic (1 of 4 stars; one submission).

Conditions:
Hereditary cancer-predisposing syndrome. Also called: Hereditary neoplastic syndrome; Hereditary Cancer Syndrome; Neoplastic Syndromes, Hereditary; Tumor predisposition. Identifiers: Orphanet 140162, MedGen C0027672, MeSH D009386, MONDO:0015356.

Submission:

Ambry Genetics
Classification: Likely pathogenic for Hereditary cancer-predisposing syndrome. Last evaluated: 2023-03-21. Review status: criteria provided, single submitter. Criteria: Ambry Variant Classification Scheme 2023. Collection method: clinical testing. Allele origin: germline.
Comment: The c.1447-1G>T intronic variant results from a G to T substitution one nucleotide upstream from coding exon 14 of the NF2 gene. This alteration has been observed in at least one individual with a personal and/or family history that is consistent with NF2-related schwannomatosis (Ambry internal data). This variant is considered to be rare based on population cohorts in the Genome Aggregation Database (gnomAD). This nucleotide position is highly conserved in available vertebrate species. In silico splice site analysis predicts that this alteration will weaken the native splice acceptor site and will result in the creation or strengthening of a novel splice acceptor site. Alterations that disrupt the canonical splice site are expected to cause aberrant splicing, resulting in an abnormal protein or a transcript that is subject to nonsense-mediated mRNA decay. As such, this alteration is classified as likely pathogenic.

NM_000268.4(NF2):c.1447-1G>T

Gene: NF2 (NF2, moesin-ezrin-radixin like (MERLIN) tumor suppressor; plus strand). Cytogenetic location: 22q12.2.
Variant type: single nucleotide variant.
Coding change: c.1447-1G>T on transcript NM_000268.4 (MANE Select); the canonical splice acceptor site of the intron before coding-DNA position 1447, G replaced by T.
Molecular consequence: splice acceptor variant. On other transcripts: intron variant (1).
Genome position (GRCh38, 1-based): chr22:29,678,195, G>T. VCF-style: chr22-29678195-G-T. GRCh37 (hg19) VCF-style: chr22-30074184-G-T.
Other names: c.1447-1G>T (NM_016418.5, NM_181832.3, NM_001407060.1 and 2 more transcripts); c.1333-1G>T (NM_001407056.1, NM_001407053.1); c.1216-1G>T (NM_001407067.1); c.913-1G>T (NM_001407065.1); c.1312-1G>T (NM_001407059.1, NM_001407057.1); c.448-16557G>T (NM_181833.3); c.1324-1G>T (NM_001407058.1, NM_181829.3, NM_001407054.1); c.1189-1G>T (NM_001407062.1); and 2 more.
Identifiers: ClinVar variation 2568037 (VCV002568037.2), dbSNP rs2147107697, ClinGen allele CA411149531.